The following is an entry in ClinVar:

ClinVar aggregate classification (germline): Pathogenic (1 of 4 stars; one submission).

Conditions:
Pyruvate carboxylase deficiency. Also called: ATAXIA WITH LACTIC ACIDOSIS II; LEIGH NECROTIZING ENCEPHALOPATHY DUE TO PYRUVATE CARBOXYLASE DEFICIENCY; LEIGH SYNDROME DUE TO PYRUVATE CARBOXYLASE DEFICIENCY; PC DEFICIENCY; Pyruvate Carboxylase Deficiency Disease. Identifiers: Orphanet 3008, MedGen C0034341, MONDO:0009949, OMIM 266150.

Submission:

Myriad Genetics, Inc.
Classification: Pathogenic for Pyruvate carboxylase deficiency. Last evaluated: 2023-09-27. Review status: criteria provided, single submitter. Criteria: Myriad Autosomal Dominant, Autosomal Recessive and X-Linked Classification Criteria (2023). Collection method: clinical testing. Allele origin: unknown.
Comment: NM_000920.3(PC):c.409dupC(R137Pfs*43) is expected to be pathogenic in the context of pyruvate carboxylase deficiency. This variant is predicted to lead to an abnormal or absent protein product due to the creation of a premature termination codon in PC, a gene where loss-of-function variants are known to be pathogenic. Please note: this variant was assessed in the context of healthy population screening.

NM_001040716.2(PC):c.409dup (p.Arg137fs)

Gene: PC (pyruvate carboxylase; minus strand). Cytogenetic location: 11q13.2.
Variant type: Duplication.
Coding change: c.409dup on transcript NM_001040716.2 (MANE Select); coding-DNA position 409, one base duplicated (C; older notation c.409dupC).
Protein change: p.Arg137fs; shifts the reading frame from arginine 137.
Molecular consequence: frameshift variant.
Genome position (GRCh38, 1-based): chr11:66,871,393, G duplicated on the plus strand (C on the coding strand, the reverse complement: PC is on the minus strand); the first of 2 consecutive G bases (chr11:66,871,393-66,871,394); duplicating either gives the same sequence. VCF-style (leftmost placement, unchanged base first): chr11-66871392-C-CG. GRCh37 (hg19) VCF-style: chr11-66638863-C-CG.
Other names: c.409dup, p.Arg137fs (NM_000920.4, NM_001439352.1, NM_001439353.1 and 5 more transcripts); short protein forms R137fs.
Identifiers: ClinVar variation 5012016 (VCV005012016.1).